The following is an entry in ClinVar:

NM_000051.4(ATM):c.6963C>T (p.Ala2321=)

Genes: ATM (ATM serine/threonine kinase; plus strand), C11orf65 (chromosome 11 open reading frame 65; minus strand). Cytogenetic location: 11q22.3.
Variant type: single nucleotide variant.
Coding change: c.6963C>T on transcript NM_000051.4 (MANE Select); coding-DNA position 6963, C replaced by T.
Protein change: p.Ala2321=; no amino-acid change (alanine 2321 retained).
Molecular consequence: synonymous variant. On other transcripts: intron variant (2).
Genome position (GRCh38, 1-based): chr11:108,326,213, C>T. VCF-style: chr11-108326213-C-T. GRCh37 (hg19) VCF-style: chr11-108196940-C-T.
Other names: c.6963C>T, p.Ala2321= (NM_001351834.2); c.641-17142G>A (NM_001330368.2); c.*38+9007G>A (NM_001351110.2).
Identifiers: ClinVar variation 481230 (VCV000481230.17), dbSNP rs1555120057, ClinGen allele CA476676410.
Genomic context (GRCh38, chr11:108,326,213, plus strand): 5'-AAAAAAGGAGCAGAGTCTTGCCCTGAGTATTCTCAAGCAAATGATCAAGAAGTTGGATGC[C>T]AGCTGTGCAGCGGTTTGTTTTTTTTATTGGCTGGATTAGTGTTTTACTGTTATTTAAAAA-3'
Protein context (NP_000042.3, residues 2311-2331): ILKQMIKKLD[Ala2321=]SCAANNPSLK

ClinVar aggregate classification (germline): Benign/Likely benign. Review status: criteria provided, multiple submitters, no conflicts (2 of 4 stars). 3 submissions from 3 submitters: Benign (1); Likely benign (2). Last evaluated 2025-12-01.

Conditions:
Hereditary cancer-predisposing syndrome. Also called: Neoplastic Syndromes, Hereditary; Hereditary Cancer Syndrome; Tumor predisposition; Hereditary neoplastic syndrome. Identifiers: Orphanet 140162, MedGen C0027672, MeSH D009386, MONDO:0015356.
Familial cancer of breast. Also called: Hereditary breast cancer; BREAST CANCER, FAMILIAL; hereditary breast carcinoma. Identifiers: Orphanet 227535, MedGen C0346153, MONDO:0016419, OMIM 114480. Disease mechanism: loss of function.
Ataxia-telangiectasia syndrome (AT). Also called: LOUIS-BAR SYNDROME; Cerebello-oculocutaneous telangiectasia; Immunodeficiency with ataxia telangiectasia; Ataxia-telangiectasia, complementation group D; AT, COMPLEMENTATION GROUP C; Ataxia-telangiectasia, complementation group E. Identifiers: Orphanet 100, MedGen C0004135, MONDO:0008840, OMIM 208900.

Submissions (3):

Labcorp Genetics (formerly Invitae), Labcorp
Classification: Likely benign for Ataxia-telangiectasia syndrome. Last evaluated: 2025-12-01. Review status: criteria provided, single submitter. Criteria: Invitae Variant Classification Sherloc (09022015). Collection method: clinical testing. Allele origin: germline.

Myriad Genetics, Inc.
Classification: Benign for Familial cancer of breast. Last evaluated: 2024-06-12. Review status: criteria provided, single submitter. Criteria: Myriad Autosomal Dominant, Autosomal Recessive and X-Linked Classification Criteria (2023). Collection method: clinical testing. Allele origin: unknown.
Comment: This variant is considered benign. This variant is a silent/synonymous amino acid change and it is not expected to impact splicing.

Ambry Genetics
Classification: Likely benign for Hereditary cancer-predisposing syndrome. Last evaluated: 2016-03-25. Review status: criteria provided, single submitter. Criteria: Ambry Variant Classification Scheme 2023. Collection method: clinical testing. Allele origin: germline.